The following is an entry in ClinVar:

NM_000441.2(SLC26A4):c.1000G>T (p.Gly334Trp)

Gene: SLC26A4 (solute carrier family 26 member 4; plus strand). Cytogenetic location: 7q22.3.
Variant type: single nucleotide variant.
Coding change: c.1000G>T on transcript NM_000441.2 (MANE Select); coding-DNA position 1000, G replaced by T.
Protein change: p.Gly334Trp; replaces glycine 334 with tryptophan.
Molecular consequence: missense variant.
Genome position (GRCh38, 1-based): chr7:107,683,536, G>T. VCF-style: chr7-107683536-G-T. GRCh37 (hg19) VCF-style: chr7-107323981-G-T.
Other names: short protein forms G334W.
Identifiers: ClinVar variation 2663014 (VCV002663014.1), dbSNP rs759264261, ClinGen allele CA4432641.

ClinVar aggregate classification (germline): Uncertain significance (1 of 4 stars; one submission).

Allele frequency attached by ClinVar (database versions not stated): ExAC 0.00001.
gnomAD v4.1: 3 of 1,613,052 alleles (0.00019%); highest among the groups gnomAD compares: Non-Finnish European, 0.00025%; no homozygotes.

Submission:

GeneDx
Classification: Uncertain significance. Last evaluated: 2023-04-18. Review status: criteria provided, single submitter. Criteria: GeneDx Variant Classification Process June 2021. Collection method: clinical testing. Allele origin: germline. Affected: yes.
Comment: Reported in the heterozygous state in a patient with bilateral hearing loss with enlarged vestibular aqueduct in published liteture (Landa et al., 2013); Not observed at significant frequency in large population cohorts (gnomAD); In silico analysis supports that this missense variant has a deleterious effect on protein structure/function; In silico analysis suggests this variant may impact gene splicing. In the absence of RNA/functional studies, the actual effect of this sequence change is unknown.; This variant is associated with the following publications: (PMID: 27771369, 23965030)